The following is an entry in ClinVar:

ClinVar aggregate classification (germline): Pathogenic/Likely pathogenic. Review status: criteria provided, multiple submitters, no conflicts (2 of 4 stars). 3 submissions from 3 submitters: Pathogenic (1); Likely pathogenic (2). Last evaluated 2026-05-19.

Conditions:
Hereditary cancer-predisposing syndrome. Also called: Tumor predisposition; Hereditary neoplastic syndrome; Neoplastic Syndromes, Hereditary; Hereditary Cancer Syndrome. Identifiers: Orphanet 140162, MedGen C0027672, MeSH D009386, MONDO:0015356.
Fanconi anemia complementation group O. Also called: RAD51C-Related Fanconi Anemia. Identifiers: Orphanet 84, MedGen C3150653, MONDO:0013248, OMIM 613390.
Breast-ovarian cancer, familial, susceptibility to, 3. Also called: RAD51C-Related Breast/Ovarian Cancer. Identifiers: Orphanet 145, MedGen C3150659, MONDO:0013253, OMIM 613399.

Submissions (3):

Ambry Genetics
Classification: Likely pathogenic for Hereditary cancer-predisposing syndrome. Last evaluated: 2026-05-19. Review status: criteria provided, single submitter. Criteria: Ambry Variant Classification Scheme 2023. Collection method: clinical testing. Allele origin: germline.
Comment: The p.E334* variant (also known as c.1000G>T), located in coding exon 8 of the RAD51C gene, results from a G to T substitution at nucleotide position 1000. This changes the amino acid from a glutamic acid to a stop codon within coding exon 8. This variant occurs at the 3' terminus of the gene, is not expected to trigger nonsense-mediated mRNA decay, and impacts the last 11.4% of the protein. However, premature stop codons are typically deleterious in nature and a significant portion of the protein is affected (Ambry internal data). This variant is considered to be rare based on population cohorts in the Genome Aggregation Database (gnomAD). Based on the majority of available evidence to date, this variant is likely to be pathogenic.

Myriad Genetics, Inc.
Classification: Pathogenic for Breast-ovarian cancer, familial, susceptibility to, 3. Last evaluated: 2025-01-31. Review status: criteria provided, single submitter. Criteria: Myriad Autosomal Dominant, Autosomal Recessive and X-Linked Classification Criteria (2023). Collection method: clinical testing. Allele origin: unknown.
Comment: This variant is considered pathogenic. This variant creates a termination codon and is predicted to result in premature protein truncation.

Labcorp Genetics (formerly Invitae), Labcorp
Classification: Likely pathogenic for Fanconi anemia complementation group O. Last evaluated: 2022-11-10. Review status: criteria provided, single submitter. Criteria: Invitae Variant Classification Sherloc (09022015). Collection method: clinical testing. Allele origin: germline.
Comment: This variant has not been reported in the literature in individuals affected with RAD51C-related conditions. Algorithms developed to predict the effect of sequence changes on RNA splicing suggest that this variant may disrupt the consensus splice site. This variant disrupts the nuclear localization signal (NLS) of the RAD51C protein, which is important for proper localization and function of the RAD51C protein (PMID:12966089). While functional studies have not been performed to directly test the effect of this variant on RAD51C protein function, this suggests that disruption of this region of the protein is causative of disease. In summary, the currently available evidence indicates that the variant is pathogenic, but additional data are needed to prove that conclusively. Therefore, this variant has been classified as Likely Pathogenic. This variant is not present in population databases (gnomAD no frequency). This sequence change creates a premature translational stop signal (p.Glu334*) in the RAD51C gene. While this is not anticipated to result in nonsense mediated decay, it is expected to disrupt the last 43 amino acid(s) of the RAD51C protein.

Literature cited by the submitters: PubMed 12966089 (cited by Labcorp Genetics (formerly Invitae), Labcorp).

NM_058216.3(RAD51C):c.1000G>T (p.Glu334Ter)

Gene: RAD51C (RAD51 paralog C; plus strand). Cytogenetic location: 17q22.
Variant type: single nucleotide variant.
Coding change: c.1000G>T on transcript NM_058216.3 (MANE Select); coding-DNA position 1000, G replaced by T.
Protein change: p.Glu334Ter; replaces glutamic acid 334 with a stop codon.
Molecular consequence: nonsense. On other transcripts: non-coding transcript variant (1).
Genome position (GRCh38, 1-based): chr17:58,732,518, G>T. VCF-style: chr17-58732518-G-T. GRCh37 (hg19) VCF-style: chr17-56809879-G-T.
Other names: c.*428G>T (NM_058217.1); short protein forms E334*.
Identifiers: ClinVar variation 2813558 (VCV002813558.5), dbSNP rs1567817431, ClinGen allele CA400365034.